The following is an entry in ClinVar:

ClinVar aggregate classification (germline): Uncertain significance. Review status: criteria provided, multiple submitters, no conflicts (2 of 4 stars). 3 submissions from 3 submitters: Uncertain significance (3). Last evaluated 2025-05-13.

Conditions:
Inborn genetic diseases. Identifiers: MedGen C0950123, MeSH D030342.
Anemia, congenital dyserythropoietic, type 1a (CDAN1A). Also called: CDAN1-Related Congenital Dyserythropoietic Anemia; DYSERYTHROPOIETIC ANEMIA, CONGENITAL, TYPE Ia. Identifiers: MedGen C5574667, MONDO:0009135, OMIM 224120.

Allele frequency attached by ClinVar (database versions not stated): ExAC 0.00002; TOPMed 0.00005; gnomAD 0.00007; ESP Exome Variant Server 0.00015.
gnomAD v4.1: 40 of 1,614,078 alleles (0.0025%); highest among the groups gnomAD compares: African/African-American, 0.004%; no homozygotes.

Submissions (3):

Ambry Genetics
Classification: Uncertain significance for Inborn genetic diseases. Last evaluated: 2025-05-13. Review status: criteria provided, single submitter. Criteria: Ambry Variant Classification Scheme 2023. Collection method: clinical testing. Allele origin: germline.

Revvity Omics, Revvity
Classification: Uncertain significance for Anemia, congenital dyserythropoietic, type 1a. Last evaluated: 2022-06-30. Review status: criteria provided, single submitter. Criteria: ACMG Guidelines, 2015. Collection method: clinical testing. Allele origin: germline.

Labcorp Genetics (formerly Invitae), Labcorp
Classification: Uncertain significance. Last evaluated: 2022-03-25. Review status: criteria provided, single submitter. Criteria: Invitae Variant Classification Sherloc (09022015). Collection method: clinical testing. Allele origin: germline.
Comment: In summary, the available evidence is currently insufficient to determine the role of this variant in disease. Therefore, it has been classified as a Variant of Uncertain Significance. Algorithms developed to predict the effect of missense changes on protein structure and function are either unavailable or do not agree on the potential impact of this missense change (SIFT: "Deleterious"; PolyPhen-2: "Benign"; Align-GVGD: "Class C0"). This variant has not been reported in the literature in individuals affected with CDAN1-related conditions. This variant is present in population databases (rs376914210, gnomAD 0.008%). This sequence change replaces glutamic acid, which is acidic and polar, with lysine, which is basic and polar, at codon 732 of the CDAN1 protein (p.Glu732Lys).

NM_138477.4(CDAN1):c.2194G>A (p.Glu732Lys)

Gene: CDAN1 (codanin 1; minus strand). Cytogenetic location: 15q15.2.
Variant type: single nucleotide variant.
Coding change: c.2194G>A on transcript NM_138477.4 (MANE Select); coding-DNA position 2194, G replaced by A.
Protein change: p.Glu732Lys; replaces glutamic acid 732 with lysine.
Molecular consequence: missense variant.
Genome position (GRCh38, 1-based): chr15:42,730,196, C>T on the plus strand (G>A on the coding strand, the complement: CDAN1 is on the minus strand). VCF-style: chr15-42730196-C-T. GRCh37 (hg19) VCF-style: chr15-43022394-C-T.
Other names: c.2194G>A (NM_138477.2); short protein forms E732K.
Identifiers: ClinVar variation 2056117 (VCV002056117.6), dbSNP rs376914210, ClinGen allele CA7515767.